The following is an entry in ClinVar:

NM_001543.5(NDST1):c.23G>A (p.Arg8Gln)

Gene: NDST1 (N-deacetylase and N-sulfotransferase 1; plus strand). Cytogenetic location: 5q33.1.
Variant type: single nucleotide variant.
Coding change: c.23G>A on transcript NM_001543.5 (MANE Select); coding-DNA position 23, G replaced by A.
Protein change: p.Arg8Gln; replaces arginine 8 with glutamine.
Molecular consequence: missense variant.
Genome position (GRCh38, 1-based): chr5:150,521,277, G>A. VCF-style: chr5-150521277-G-A. GRCh37 (hg19) VCF-style: chr5-149900839-G-A.
Other names: c.23G>A, p.Arg8Gln (NM_001301063.2); short protein forms R8Q.
Identifiers: ClinVar variation 1712773 (VCV001712773.2), dbSNP rs752084158, ClinGen allele CA3512311.

ClinVar aggregate classification (germline): Uncertain significance (1 of 4 stars; one submission).

Allele frequency attached by ClinVar (database versions not stated): ExAC 0.00001; gnomAD 0.00001; TOPMed 0.00001; gnomAD exomes 0.00002.
gnomAD v4.1: 35 of 1,611,000 alleles (0.0022%); highest among the groups gnomAD compares: East Asian, 0.051%; no homozygotes.

Submission:

GeneDx
Classification: Uncertain significance. Last evaluated: 2022-04-25. Review status: criteria provided, single submitter. Criteria: GeneDx Variant Classification Process June 2021. Collection method: clinical testing. Allele origin: germline. Affected: yes.
Comment: In silico analysis supports that this missense variant has a deleterious effect on protein structure/function; Has not been previously published as pathogenic or benign to our knowledge